The following is an entry in ClinVar:

NM_003482.4(KMT2D):c.6544G>A (p.Ala2182Thr)

Gene: KMT2D (lysine methyltransferase 2D; minus strand). Cytogenetic location: 12q13.12.
Variant type: single nucleotide variant.
Coding change: c.6544G>A on transcript NM_003482.4 (MANE Select); coding-DNA position 6544, G replaced by A.
Protein change: p.Ala2182Thr; replaces alanine 2182 with threonine.
Molecular consequence: missense variant.
Genome position (GRCh38, 1-based): chr12:49,041,226, C>T on the plus strand (G>A on the coding strand, the complement: KMT2D is on the minus strand). VCF-style: chr12-49041226-C-T. GRCh37 (hg19) VCF-style: chr12-49435009-C-T.
Other names: short protein forms A2182T.
Identifiers: ClinVar variation 5001784 (VCV005001784.1).
Genomic context (GRCh38, chr12:49,041,226, plus strand): 5'-GACTAGGATAGGGGGGATAGGTGGGCGGTGCCGTGGGGAAGCGGGGCTCCAGGGGATAGG[C>T]AGGGGCCAGTCCAAAGGGGTCCTGCGAAGGCACTTGGGCGGGCACCTGGGGTGGGAGCTT-3'
Protein context (NP_003473.3, residues 2172-2192): PSQDPFGLAP[Ala2182Thr]YPLEPRFPTA

ClinVar aggregate classification (germline): Uncertain significance (1 of 4 stars; one submission).

Conditions:
KMT2D-related disorder. Also called: KMT2D-Related Disorders.

gnomAD v4.1: 9 of 1,513,718 alleles (0.00059%); highest among the groups gnomAD compares: South Asian, 0.011%; no homozygotes.

Submission:

PreventionGenetics, part of Exact Sciences
Classification: Uncertain significance for KMT2D-related condition. Last evaluated: 2025-05-22. Review status: criteria provided, single submitter. Criteria: ACMG Guidelines, 2015. Collection method: clinical testing. Allele origin: germline.
Comment: The KMT2D c.6544G>A variant is predicted to result in the amino acid substitution p.Ala2182Thr. This variant has been reported in an individual with Kabuki syndrome (Hennocq et al. 2024. PubMed ID: 38282012). This variant is reported in 0.015% of alleles in individuals of South Asian descent in gnomAD, which may be too frequent to be a primary cause of disease. Although we suspect that this variant may be benign, at this time, the clinical significance of this variant is uncertain due to the absence of conclusive functional and genetic evidence.